The following is an entry in ClinVar:

NM_025137.4(SPG11):c.2984A>G (p.Tyr995Cys)

Gene: SPG11 (SPG11 vesicle trafficking associated, spatacsin; minus strand). Cytogenetic location: 15q21.1.
Variant type: single nucleotide variant.
Coding change: c.2984A>G on transcript NM_025137.4 (MANE Select); coding-DNA position 2984, A replaced by G.
Protein change: p.Tyr995Cys; replaces tyrosine 995 with cysteine.
Molecular consequence: missense variant.
Genome position (GRCh38, 1-based): chr15:44,615,417, T>C on the plus strand (A>G on the coding strand, the complement: SPG11 is on the minus strand). VCF-style: chr15-44615417-T-C. GRCh37 (hg19) VCF-style: chr15-44907615-T-C.
Other names: c.2984A>G (NM_025137.3); c.2984A>G, p.Tyr995Cys (NM_001160227.2, NM_001411132.1); short protein forms Y995C.
Identifiers: ClinVar variation 2037645 (VCV002037645.2), dbSNP rs202146190, ClinGen allele CA7535093.
Genomic context (GRCh38, chr15:44,615,417, plus strand): 5'-ACTCACTTGTAACAGTCAAGGTAGACATAAAGAAGATGCTGCAGACTGTGCTCCAAACAA[T>C]AGAGAATGAATTGAGAATGGAAATCCCAACCTTCTTTGGTCTTGTAGTTTTGAACAGGGA-3'
Protein context (NP_079413.3, residues 985-1005): GWDFHSQFIL[Tyr995Cys]CLEHSLQHLL

ClinVar aggregate classification (germline): Uncertain significance. Review status: criteria provided, multiple submitters, no conflicts (2 of 4 stars). 2 submissions from 2 submitters: Uncertain significance (2). Last evaluated 2025-02-05.

Conditions:
Hereditary spastic paraplegia 11. Also called: SPASTIC PARAPLEGIA, AUTOSOMAL RECESSIVE, COMPLICATED, WITH THIN CORPUS CALLOSUM; SPASTIC PARAPLEGIA, AUTOSOMAL RECESSIVE, WITH MENTAL IMPAIRMENT AND THIN CORPUS CALLOSUM; Nakamura Osame syndrome; Autosomal recessive hereditary spastic paraplegia, mental impairment, and thin corpus callosum; Spastic Paraplegia 11; Spastic paraplegia, mental retardation and thin corpus callosum. Identifiers: Orphanet 2822, MedGen C1858479, MONDO:0011445, OMIM 604360.
Inborn genetic diseases. Identifiers: MedGen C0950123, MeSH D030342.

Allele frequency attached by ClinVar (database versions not stated): ExAC 0.00001; gnomAD 0.00004; TOPMed 0.00005; 1000 Genomes Project 30x 0.00016; 1000 Genomes Project 0.00020.
gnomAD v4.1: 45 of 1,614,100 alleles (0.0028%); highest among the groups gnomAD compares: African/African-American, 0.011%; no homozygotes.

Submissions (2):

Ambry Genetics
Classification: Uncertain significance for Inborn genetic diseases. Last evaluated: 2025-02-05. Review status: criteria provided, single submitter. Criteria: Ambry Variant Classification Scheme 2023. Collection method: clinical testing. Allele origin: germline.

Labcorp Genetics (formerly Invitae), Labcorp
Classification: Uncertain significance for Hereditary spastic paraplegia 11. Last evaluated: 2022-01-26. Review status: criteria provided, single submitter. Criteria: Invitae Variant Classification Sherloc (09022015). Collection method: clinical testing. Allele origin: germline.
Comment: This sequence change replaces tyrosine, which is neutral and polar, with cysteine, which is neutral and slightly polar, at codon 995 of the SPG11 protein (p.Tyr995Cys). This variant is present in population databases (rs202146190, gnomAD 0.008%). This variant has not been reported in the literature in individuals affected with SPG11-related conditions. Algorithms developed to predict the effect of missense changes on protein structure and function are either unavailable or do not agree on the potential impact of this missense change (SIFT: "Deleterious"; PolyPhen-2: "Probably Damaging"; Align-GVGD: "Class C0"). In summary, the available evidence is currently insufficient to determine the role of this variant in disease. Therefore, it has been classified as a Variant of Uncertain Significance.